The following is an entry in ClinVar:

ClinVar aggregate classification (germline): Uncertain significance. Review status: criteria provided, multiple submitters, no conflicts (2 of 4 stars). 3 submissions from 3 submitters: Uncertain significance (3). Last evaluated 2024-12-06.

Conditions:
Hereditary cancer-predisposing syndrome. Also called: Hereditary neoplastic syndrome; Tumor predisposition; Neoplastic Syndromes, Hereditary; Hereditary Cancer Syndrome. Identifiers: Orphanet 140162, MedGen C0027672, MeSH D009386, MONDO:0015356.
Tuberous sclerosis syndrome (TSC). Also called: Tuberous Sclerosis Complex; Tuberous sclerosis. Identifiers: Orphanet 805, MedGen C0041341, MONDO:0001734.
Tuberous sclerosis 1 (TSC1). Identifiers: Orphanet 805, MedGen C1854465, MONDO:0008612, OMIM 191100.

Submissions (3):

Department of Pathology and Laboratory Medicine, Sinai Health System
Classification: Uncertain significance for tuberous sclerosis. Last evaluated: 2024-12-06. Review status: criteria provided, single submitter. Criteria: ACMG Guidelines, 2015. Collection method: clinical testing. Allele origin: germline.

Ambry Genetics
Classification: Uncertain significance for Hereditary cancer-predisposing syndrome. Last evaluated: 2023-08-03. Review status: criteria provided, single submitter. Criteria: Ambry Variant Classification Scheme 2023. Collection method: clinical testing. Allele origin: germline.
Comment: The c.1030-3C>T intronic variant results from a C to T substitution 3 nucleotides upstream from coding exon 9 in the TSC1 gene. This nucleotide position is not well conserved in available vertebrate species. In silico splice site analysis predicts that this alteration will not have any significant effect on splicing. Since supporting evidence is limited at this time, the clinical significance of this alteration remains unclear.

Labcorp Genetics (formerly Invitae), Labcorp
Classification: Uncertain significance for Tuberous sclerosis 1. Last evaluated: 2022-02-20. Review status: criteria provided, single submitter. Criteria: Invitae Variant Classification Sherloc (09022015). Collection method: clinical testing. Allele origin: germline.
Comment: This sequence change falls in intron 10 of the TSC1 gene. It does not directly change the encoded amino acid sequence of the TSC1 protein. It affects a nucleotide within the consensus splice site. This variant is not present in population databases (gnomAD no frequency). This variant has not been reported in the literature in individuals affected with TSC1-related conditions. ClinVar contains an entry for this variant (Variation ID: 860442). Variants that disrupt the consensus splice site are a relatively common cause of aberrant splicing (PMID: 17576681, 9536098). Algorithms developed to predict the effect of sequence changes on RNA splicing suggest that this variant is not likely to affect RNA splicing. In summary, the available evidence is currently insufficient to determine the role of this variant in disease. Therefore, it has been classified as a Variant of Uncertain Significance.

Literature cited by the submitters: PubMed 17576681 (cited by Labcorp Genetics (formerly Invitae), Labcorp); PubMed 9536098 (cited by Labcorp Genetics (formerly Invitae), Labcorp).

NM_000368.5(TSC1):c.1030-3C>T

Gene: TSC1 (TSC complex subunit 1; minus strand). Cytogenetic location: 9q34.13.
Variant type: single nucleotide variant.
Coding change: c.1030-3C>T on transcript NM_000368.5 (MANE Select); 3 bases into the intron before coding-DNA position 1030, C replaced by T.
Molecular consequence: intron variant.
Genome position (GRCh38, 1-based): chr9:132,911,116, G>A on the plus strand (C>T on the coding strand, the complement: TSC1 is on the minus strand). VCF-style: chr9-132911116-G-A. GRCh37 (hg19) VCF-style: chr9-135786503-G-A.
Other names: c.667-3C>T (NM_001362177.2); c.877-3C>T (NM_001162427.2); c.1030-3C>T (NM_001162426.2).
Identifiers: ClinVar variation 860442 (VCV000860442.12), dbSNP rs118203488, ClinGen allele CA916081574.